The following is an entry in ClinVar:

ClinVar aggregate classification (germline): Uncertain significance (1 of 4 stars; one submission).

Conditions:
Myofibrillar myopathy 4. Also called: Zaspopathy (type). Identifiers: Orphanet 98912, MedGen C4721886, MONDO:0012277, OMIM 609452.

Submission:

Labcorp Genetics (formerly Invitae), Labcorp
Classification: Uncertain significance for Myofibrillar myopathy 4. Last evaluated: 2024-03-22. Review status: criteria provided, single submitter. Criteria: Invitae Variant Classification Sherloc (09022015). Collection method: clinical testing. Allele origin: germline.
Comment: This sequence change replaces serine, which is neutral and polar, with cysteine, which is neutral and slightly polar, at codon 184 of the LDB3 protein (p.Ser184Cys). This variant is not present in population databases (gnomAD no frequency). This variant has not been reported in the literature in individuals affected with LDB3-related conditions. An algorithm developed to predict the effect of missense changes on protein structure and function (PolyPhen-2) suggests that this variant is likely to be tolerated. In summary, the available evidence is currently insufficient to determine the role of this variant in disease. Therefore, it has been classified as a Variant of Uncertain Significance.

NM_007078.3(LDB3):c.691A>T (p.Ser231Cys)

Gene: LDB3 (LIM domain binding 3; plus strand). Cytogenetic location: 10q23.2.
Variant type: single nucleotide variant.
Coding change: c.691A>T on transcript NM_007078.3 (MANE Select); coding-DNA position 691, A replaced by T.
Protein change: p.Ser231Cys; replaces serine 231 with cysteine.
Molecular consequence: missense variant.
Genome position (GRCh38, 1-based): chr10:86,691,897, A>T. VCF-style: chr10-86691897-A-T. GRCh37 (hg19) VCF-style: chr10-88451654-A-T.
Other names: c.550A>T, p.Ser184Cys (NM_001368067.1, NM_001368068.1, NM_001080114.2 and 2 more transcripts); c.691A>T, p.Ser231Cys (NM_001080115.2, NM_001368063.1, NM_001368064.1 and 1 more transcripts); c.895A>T, p.Ser299Cys (NM_001171610.2, NM_001171611.2); short protein forms S184C, S231C, S299C.
Identifiers: ClinVar variation 3647327 (VCV003647327.2).